The following is an entry in ClinVar:

NM_000540.3(RYR1):c.12685_12704dup (p.Ser4235delinsArgArgTrpSerSerSerTer)

Gene: RYR1 (ryanodine receptor 1; plus strand). Cytogenetic location: 19q13.2.
Variant type: Duplication.
Coding change: c.12685_12704dup on transcript NM_000540.3 (MANE Select); coding-DNA positions 12685 to 12704, 20 bases duplicated (AAGATGGAGCTCTTCGTGAG).
Protein change: p.Ser4235delinsArgArgTrpSerSerSerTer.
Molecular consequence: nonsense.
Genome position (GRCh38, 1-based): chr19:38,565,019-38,565,038, AAGATGGAGCTCTTCGTGAG duplicated; duplicating any 20 consecutive bases within chr19:38,565,015-38,565,038 gives the same sequence; the c. name uses the placement nearest the transcript's 3' end. VCF-style (leftmost placement, unchanged base first): chr19-38565014-C-CTGAGAAGATGGAGCTCTTCG. GRCh37 (hg19) VCF-style: chr19-39055654-C-CTGAGAAGATGGAGCTCTTCG.
Other names: c.12670_12689dup, p.Ser4230delinsArgArgTrpSerSerSerTer (NM_001042723.2).
Identifiers: ClinVar variation 2745008 (VCV002745008.3), dbSNP rs2514674151, ClinGen allele CA2697556502.

ClinVar aggregate classification (germline): Pathogenic (1 of 4 stars; one submission).

Conditions:
RYR1-related disorder. Also called: RYR1-related condition; RYR1-related disorders. Identifiers: MedGen CN239331.

Submission:

Labcorp Genetics (formerly Invitae), Labcorp
Classification: Pathogenic for RYR1-related disorder. Last evaluated: 2023-07-19. Review status: criteria provided, single submitter. Criteria: Invitae Variant Classification Sherloc (09022015). Collection method: clinical testing. Allele origin: germline.
Comment: This sequence change creates a premature translational stop signal (p.Ser4235Argfs*7) in the RYR1 gene. It is expected to result in an absent or disrupted protein product. Loss-of-function variants in RYR1 are known to be pathogenic (PMID: 23919265, 25960145, 28818389, 30611313). This variant is not present in population databases (gnomAD no frequency). This variant has not been reported in the literature in individuals affected with RYR1-related conditions. For these reasons, this variant has been classified as Pathogenic.

Literature cited by the submitters: PubMed 23919265; PubMed 25960145; PubMed 28818389; PubMed 30611313.